The following is an entry in ClinVar:

NM_018419.3(SOX18):c.1034A>G (p.Tyr345Cys)

Gene: SOX18 (SRY-box transcription factor 18; minus strand). Cytogenetic location: 20q13.33.
Variant type: single nucleotide variant.
Coding change: c.1034A>G on transcript NM_018419.3 (MANE Select); coding-DNA position 1034, A replaced by G.
Protein change: p.Tyr345Cys; replaces tyrosine 345 with cysteine.
Molecular consequence: missense variant.
Genome position (GRCh38, 1-based): chr20:64,048,287, T>C on the plus strand (A>G on the coding strand, the complement: SOX18 is on the minus strand). VCF-style: chr20-64048287-T-C. GRCh37 (hg19) VCF-style: chr20-62679640-T-C.
Other names: short protein forms Y345C.
Identifiers: ClinVar variation 3004004 (VCV003004004.3), dbSNP rs1429120378, ClinGen allele CA409751537.

ClinVar aggregate classification (germline): Uncertain significance (1 of 4 stars; one submission).

Allele frequency attached by ClinVar (database versions not stated): gnomAD exomes below 0.00001.
gnomAD v4.1: 2 of 1,596,852 alleles (0.00013%); highest among the groups gnomAD compares: Admixed American, 0.0034%; no homozygotes.

Submission:

Labcorp Genetics (formerly Invitae), Labcorp
Classification: Uncertain significance. Last evaluated: 2023-08-23. Review status: criteria provided, single submitter. Criteria: Invitae Variant Classification Sherloc (09022015). Collection method: clinical testing. Allele origin: germline.
Comment: In summary, the available evidence is currently insufficient to determine the role of this variant in disease. Therefore, it has been classified as a Variant of Uncertain Significance. An algorithm developed to predict the effect of missense changes on protein structure and function (PolyPhen-2) suggests that this variant is likely to be disruptive. This sequence change replaces tyrosine, which is neutral and polar, with cysteine, which is neutral and slightly polar, at codon 345 of the SOX18 protein (p.Tyr345Cys). The frequency data for this variant in the population databases is considered unreliable, as metrics indicate poor data quality at this position in the gnomAD database. This variant has not been reported in the literature in individuals affected with SOX18-related conditions.